The following is an entry in ClinVar:

NM_000639.3(FASLG):c.376T>C (p.Ser126Pro)

Gene: FASLG (Fas ligand; plus strand). Cytogenetic location: 1q24.3.
Variant type: single nucleotide variant.
Coding change: c.376T>C on transcript NM_000639.3 (MANE Select); coding-DNA position 376, T replaced by C.
Protein change: p.Ser126Pro; replaces serine 126 with proline.
Molecular consequence: missense variant. On other transcripts: intron variant (1).
Genome position (GRCh38, 1-based): chr1:172,660,122, T>C. VCF-style: chr1-172660122-T-C. GRCh37 (hg19) VCF-style: chr1-172629262-T-C.
Other names: c.348+573T>C (NM_001302746.2); short protein forms S126P.
Identifiers: ClinVar variation 4987030 (VCV004987030.1).
Genomic context (GRCh38, chr1:172,660,122, plus strand): 5'-TATTATACATCTTTTCTCTTTCTGTTTTACTAGTCTACCAGCCAGATGCACACAGCATCA[T>C]CTTTGGAGAAGCAAATAGGTGAGTCTTTTTTCGCATGTACATTGAGTTCCCAAAGATGAT-3'
Protein context (NP_000630.1, residues 116-136): ESTSQMHTAS[Ser126Pro]LEKQIGHPSP

ClinVar aggregate classification (germline): Uncertain significance (1 of 4 stars; one submission).

Conditions:
FASLG-related disorder. Also called: FASLG-related condition.

gnomAD v4.1: 37 of 1,614,218 alleles (0.0023%); highest among the groups gnomAD compares: Admixed American, 0.0033%; no homozygotes.

Submission:

PreventionGenetics, part of Exact Sciences
Classification: Uncertain significance for FASLG-related condition. Last evaluated: 2025-01-02. Review status: criteria provided, single submitter. Criteria: ACMG Guidelines, 2015. Collection method: clinical testing. Allele origin: germline.
Comment: The FASLG c.376T>C variant is predicted to result in the amino acid substitution p.Ser126Pro. To our knowledge, this variant has not been reported in the literature. This variant is reported in 0.0044% of alleles in individuals of European (Non-Finnish) descent in gnomAD. At this time, the clinical significance of this variant is uncertain due to the absence of conclusive functional and genetic evidence.